The following is an entry in ClinVar:

NM_000038.6(APC):c.3443_3444del (p.Tyr1147_Ser1148insTer)

Gene: APC (APC regulator of Wnt signaling pathway; plus strand). Cytogenetic location: 5q22.2.
Variant type: Microsatellite.
Coding change: c.3443_3444del on transcript NM_000038.6 (MANE Select); coding-DNA positions 3443 to 3444, 2 bases deleted (CT; older notation c.3443_3444delCT).
Protein change: p.Tyr1147_Ser1148insTer.
Molecular consequence: nonsense.
Genome position (GRCh38, 1-based): chr5:112,839,037-112,839,038, CT deleted; deleting any 2 consecutive bases within chr5:112,839,035-112,839,038 gives the same sequence; the c. name uses the placement nearest the transcript's 3' end. VCF-style (leftmost placement, unchanged base first): chr5-112839034-ACT-A. GRCh37 (hg19) VCF-style: chr5-112174731-ACT-A.
Other names: c.3443_3444delCT (NM_000038.5); c.3443_3444del, p.Tyr1147_Ser1148insTer (NM_001127510.3, NM_001354895.2); c.3389_3390del, p.Tyr1129_Ser1130insTer (NM_001127511.3); c.3497_3498del, p.Tyr1165_Ser1166insTer (NM_001354896.2); c.3473_3474del, p.Tyr1157_Ser1158insTer (NM_001354897.2); c.3368_3369del, p.Tyr1122_Ser1123insTer (NM_001354898.2); c.3359_3360del, p.Tyr1119_Ser1120insTer (NM_001354899.2); c.3320_3321del, p.Tyr1106_Ser1107insTer (NM_001354900.2); and 6 more.
Identifiers: ClinVar variation 862344 (VCV000862344.12), dbSNP rs1765424969, ClinGen allele CA916080347.

ClinVar aggregate classification (germline): Pathogenic/Likely pathogenic. Review status: criteria provided, multiple submitters, no conflicts (2 of 4 stars). 3 submissions from 3 submitters: Pathogenic (2); Likely pathogenic (1). Last evaluated 2025-03-30.

Conditions:
Hereditary cancer-predisposing syndrome. Also called: Tumor predisposition; Hereditary neoplastic syndrome; Neoplastic Syndromes, Hereditary; Hereditary Cancer Syndrome. Identifiers: Orphanet 140162, MedGen C0027672, MeSH D009386, MONDO:0015356.
Familial adenomatous polyposis 1 (FAP1). Also called: POLYPOSIS, ADENOMATOUS INTESTINAL; FAMILIAL ADENOMATOUS POLYPOSIS 1, ATTENUATED. Identifiers: MedGen C2713442, MONDO:0021056, OMIM 175100. Disease mechanism: loss of function.

Submissions (3):

Labcorp Genetics (formerly Invitae), Labcorp
Classification: Pathogenic for Familial adenomatous polyposis 1. Last evaluated: 2025-03-30. Review status: criteria provided, single submitter. Criteria: Invitae Variant Classification Sherloc (09022015). Collection method: clinical testing. Allele origin: germline.
Comment: This sequence change creates a premature translational stop signal (p.Ser1148*) in the APC gene. While this is not anticipated to result in nonsense mediated decay, it is expected to disrupt the last 1696 amino acid(s) of the APC protein. This variant is not present in population databases (gnomAD no frequency). This premature translational stop signal has been observed in individual(s) with familial adenomatous polyposis (PMID: 18794146). ClinVar contains an entry for this variant (Variation ID: 862344). This variant is expected to disrupt the EB1 and HDLG binding sites, which mediate interactions with the cytoskeleton (PMID: 15311282, 17293347). While functional studies have not been performed to directly test the effect on APC protein function, this suggests that disruption of the C-terminal portion of the protein is functionally important. A different truncation (p.Tyr2645Lysfs*14) that lies downstream of this variant has been determined to be pathogenic (PMID: 9824584, 1316610, 27081525, 8381579, 22135120, internal data). This suggests that deletion of this region of the APC protein is causative of disease. For these reasons, this variant has been classified as Pathogenic.

Ambry Genetics
Classification: Likely pathogenic for Hereditary cancer-predisposing syndrome. Last evaluated: 2023-05-18. Review status: criteria provided, single submitter. Criteria: Ambry Variant Classification Scheme 2023. Collection method: clinical testing. Allele origin: germline.
Comment: The c.3443_3444delCT variant, located in coding exon 15 of the APC gene, results from a deletion of two nucleotides at nucleotide positions 3443 to 3444, causing a translational frameshift with a predicted alternate stop codon (p.S1148*). This variant is considered to be rare based on population cohorts in the Genome Aggregation Database (gnomAD). This alteration is expected to result in loss of function by premature protein truncation or nonsense-mediated mRNA decay. As such, this alteration is interpreted as a disease-causing mutation.

Myriad Genetics, Inc.
Classification: Pathogenic for Familial adenomatous polyposis 1. Last evaluated: 2023-05-08. Review status: criteria provided, single submitter. Criteria: Myriad Autosomal Dominant, Autosomal Recessive and X-Linked Classification Criteria (2023). Collection method: clinical testing. Allele origin: unknown.
Comment: This variant is considered pathogenic. This variant creates a termination codon and is predicted to result in premature protein truncation.

Literature cited by the submitters: PubMed 18794146 (cited by Labcorp Genetics (formerly Invitae), Labcorp); PubMed 15311282 (cited by Labcorp Genetics (formerly Invitae), Labcorp); PubMed 17293347 (cited by Labcorp Genetics (formerly Invitae), Labcorp); PubMed 9824584 (cited by Labcorp Genetics (formerly Invitae), Labcorp); PubMed 1316610 (cited by Labcorp Genetics (formerly Invitae), Labcorp); PubMed 27081525 (cited by Labcorp Genetics (formerly Invitae), Labcorp); PubMed 8381579 (cited by Labcorp Genetics (formerly Invitae), Labcorp); PubMed 22135120 (cited by Labcorp Genetics (formerly Invitae), Labcorp).